The following is an entry in ClinVar:

ClinVar aggregate classification (germline): Uncertain significance. Review status: criteria provided, multiple submitters, no conflicts (2 of 4 stars). 2 submissions from 2 submitters: Uncertain significance (2). Last evaluated 2022-03-09.

Conditions:
Multiple congenital anomalies-hypotonia-seizures syndrome 3 (MCAHS3). Also called: GLYCOSYLPHOSPHATIDYLINOSITOL BIOSYNTHESIS DEFECT 7. Identifiers: Orphanet 369837, MedGen C3809356, MONDO:0014165, OMIM 615398.
Inborn genetic diseases. Identifiers: MedGen C0950123, MeSH D030342.

Allele frequency attached by ClinVar (database versions not stated): gnomAD exomes 0.00001; ExAC 0.00002; TOPMed 0.00005; gnomAD 0.00006; ESP Exome Variant Server 0.00015.
gnomAD v4.1: 32 of 1,613,726 alleles (0.002%); highest among the groups gnomAD compares: Non-Finnish European, 0.0025%; no homozygotes.

Submissions (2):

Labcorp Genetics (formerly Invitae), Labcorp
Classification: Uncertain significance for Multiple congenital anomalies-hypotonia-seizures syndrome 3. Last evaluated: 2022-03-09. Review status: criteria provided, single submitter. Criteria: Invitae Variant Classification Sherloc (09022015). Collection method: clinical testing. Allele origin: germline.
Comment: This variant is present in population databases (rs368878253, gnomAD 0.006%). In summary, the available evidence is currently insufficient to determine the role of this variant in disease. Therefore, it has been classified as a Variant of Uncertain Significance. Algorithms developed to predict the effect of missense changes on protein structure and function are either unavailable or do not agree on the potential impact of this missense change (SIFT: "Tolerated"; PolyPhen-2: "Possibly Damaging"; Align-GVGD: "Class C0"). This variant has not been reported in the literature in individuals affected with PIGT-related conditions. This sequence change replaces leucine, which is neutral and non-polar, with valine, which is neutral and non-polar, at codon 309 of the PIGT protein (p.Leu309Val).

Ambry Genetics
Classification: Uncertain significance for Inborn genetic diseases. Last evaluated: 2021-07-20. Review status: criteria provided, single submitter. Criteria: Ambry Variant Classification Scheme 2023. Collection method: clinical testing. Allele origin: germline.

NM_015937.6(PIGT):c.925C>G (p.Leu309Val)

Gene: PIGT (phosphatidylinositol glycan anchor biosynthesis class T; plus strand). Cytogenetic location: 20q13.12.
Variant type: single nucleotide variant.
Coding change: c.925C>G on transcript NM_015937.6 (MANE Select); coding-DNA position 925, C replaced by G.
Protein change: p.Leu309Val; replaces leucine 309 with valine.
Molecular consequence: missense variant. On other transcripts: non-coding transcript variant (5).
Genome position (GRCh38, 1-based): chr20:45,420,585, C>G. VCF-style: chr20-45420585-C-G. GRCh37 (hg19) VCF-style: chr20-44049225-C-G.
Other names: c.925C>G (NM_015937.4); c.757C>G, p.Leu253Val (NM_001184728.3); c.925C>G, p.Leu309Val (NM_001184729.3); c.619C>G, p.Leu207Val (NM_001184730.3); short protein forms L207V, L253V, L309V.
Identifiers: ClinVar variation 2196280 (VCV002196280.5), dbSNP rs368878253, ClinGen allele CA9878109.